The following is an entry in ClinVar:

NM_001261826.3(AP3D1):c.2583G>C (p.Lys861Asn)

Gene: AP3D1 (adaptor related protein complex 3 subunit delta 1; minus strand). Cytogenetic location: 19p13.3.
Variant type: single nucleotide variant.
Coding change: c.2583G>C on transcript NM_001261826.3 (MANE Select); coding-DNA position 2583, G replaced by C.
Protein change: p.Lys861Asn; replaces lysine 861 with asparagine.
Molecular consequence: missense variant.
Genome position (GRCh38, 1-based): chr19:2,114,143, C>G on the plus strand (G>C on the coding strand, the complement: AP3D1 is on the minus strand). VCF-style: chr19-2114143-C-G. GRCh37 (hg19) VCF-style: chr19-2114142-C-G.
Other names: c.2583G>C, p.Lys861Asn (NM_001374799.1, NM_003938.8); short protein forms K861N.
Identifiers: ClinVar variation 4748071 (VCV004748071.1).

ClinVar aggregate classification (germline): Uncertain significance (1 of 4 stars; one submission).

gnomAD v4.1: 11 of 1,561,114 alleles (0.0007%); highest among the groups gnomAD compares: Non-Finnish European, 0.00087%; no homozygotes.

Submission:

Labcorp Genetics (formerly Invitae), Labcorp
Classification: Uncertain significance. Last evaluated: 2025-11-01. Review status: criteria provided, single submitter. Criteria: Invitae Variant Classification Sherloc (09022015). Collection method: clinical testing. Allele origin: germline.
Comment: This sequence change replaces lysine, which is basic and polar, with asparagine, which is neutral and polar, at codon 861 of the AP3D1 protein (p.Lys861Asn). This variant is not present in population databases (gnomAD no frequency). This variant has not been reported in the literature in individuals affected with AP3D1-related conditions. An algorithm developed to predict the effect of missense changes on protein structure and function (PolyPhen-2) suggests that this variant is likely to be tolerated. In summary, the available evidence is currently insufficient to determine the role of this variant in disease. Therefore, it has been classified as a Variant of Uncertain Significance.